The following is an entry in ClinVar:

NM_001866.3(COX7B):c.144C>G (p.Phe48Leu)

Gene: COX7B (cytochrome c oxidase subunit 7B; plus strand). Cytogenetic location: Xq21.1.
Variant type: single nucleotide variant.
Coding change: c.144C>G on transcript NM_001866.3 (MANE Select); coding-DNA position 144, C replaced by G.
Protein change: p.Phe48Leu; replaces phenylalanine 48 with leucine.
Molecular consequence: missense variant.
Genome position (GRCh38, 1-based): chrX:77,902,746, C>G. VCF-style: chrX-77902746-C-G. GRCh37 (hg19) VCF-style: chrX-77158243-C-G.
Other names: short protein forms F48L.
Identifiers: ClinVar variation 4796879 (VCV004796879.1).
Genomic context (GRCh38, chrX:77,902,746, plus strand): 5'-ACGTACACCTGATTTTCATGACAAATACGGTAATGCTGTATTAGCTAGTGGAGCCACTTT[C>G]TGTATTGTTACATGGACATATGTAAGTACTATTGATTAATAATTTCTGTTTCAGATGTTT-3'
Protein context (NP_001857.1, residues 38-58): GNAVLASGAT[Phe48Leu]CIVTWTYVAT

ClinVar aggregate classification (germline): Uncertain significance (1 of 4 stars; one submission).

gnomAD v4.1: 14 of 1,206,328 alleles (0.0012%); highest among the groups gnomAD compares: Non-Finnish European, 0.0015%; no homozygotes.

Submission:

Labcorp Genetics (formerly Invitae), Labcorp
Classification: Uncertain significance. Last evaluated: 2025-03-07. Review status: criteria provided, single submitter. Criteria: Invitae Variant Classification Sherloc (09022015). Collection method: clinical testing. Allele origin: germline.
Comment: This sequence change replaces phenylalanine, which is neutral and non-polar, with leucine, which is neutral and non-polar, at codon 48 of the COX7B protein (p.Phe48Leu). This variant is not present in population databases (gnomAD no frequency). This variant has not been reported in the literature in individuals affected with COX7B-related conditions. An algorithm developed to predict the effect of missense changes on protein structure and function (PolyPhen-2) suggests that this variant is likely to be disruptive. In summary, the available evidence is currently insufficient to determine the role of this variant in disease. Therefore, it has been classified as a Variant of Uncertain Significance.